The following is an entry in ClinVar:

ClinVar aggregate classification (germline): Likely benign. Review status: criteria provided, multiple submitters, no conflicts (2 of 4 stars). 2 submissions from 2 submitters: Likely benign (2). Last evaluated 2026-01-01.

Allele frequency attached by ClinVar (database versions not stated): TOPMed 0.00002; gnomAD 0.00003; gnomAD exomes 0.00005; ESP Exome Variant Server 0.00008; ExAC 0.00012.
gnomAD v4.1: 75 of 1,597,534 alleles (0.0047%); highest among the groups gnomAD compares: African/African-American, 0.0067%; no homozygotes.

Submissions (2):

CeGaT Center for Human Genetics Tuebingen
Classification: Likely benign. Last evaluated: 2026-01-01. Review status: criteria provided, single submitter. Criteria: CeGaT Center For Human Genetics Tuebingen Variant Classification Criteria Version 2. Collection method: clinical testing. Allele origin: germline. Affected: yes. Observed: 1 variant allele.
Comment: CNOT3: BP4, BP7

Labcorp Genetics (formerly Invitae), Labcorp
Classification: Likely benign. Last evaluated: 2025-03-31. Review status: criteria provided, single submitter. Criteria: Invitae Variant Classification Sherloc (09022015). Collection method: clinical testing. Allele origin: germline.

NM_014516.4(CNOT3):c.975C>T (p.Ser325=)

Gene: CNOT3 (CCR4-NOT transcription complex subunit 3; plus strand). Cytogenetic location: 19q13.42.
Variant type: single nucleotide variant.
Coding change: c.975C>T on transcript NM_014516.4 (MANE Select); coding-DNA position 975, C replaced by T.
Protein change: p.Ser325=; no amino-acid change (serine 325 retained).
Molecular consequence: synonymous variant.
Genome position (GRCh38, 1-based): chr19:54,148,228, C>T. VCF-style: chr19-54148228-C-T. GRCh37 (hg19) VCF-style: chr19-54651963-C-T.
Identifiers: ClinVar variation 1974348 (VCV001974348.9), dbSNP rs370792103, ClinGen allele CA309339561.
Genomic context (GRCh38, chr19:54,148,228, plus strand): 5'-CAAGCCTGTCCACAGCAACCAGCACCCTCAGTCCCCAGCTGTGCCGCCCACCTACCCCTC[C>T]GGCCCCCCGCCTGCTGCCTCTGCCTTGAGCACCACTCCTGGCAACAATGGGGTCCCCGCC-3'
Protein context (NP_055331.1, residues 315-335): QSPAVPPTYP[Ser325=]GPPPAASALS